The following is an entry in ClinVar:

NM_172250.3(MMAA):c.970-2A>C

Gene: MMAA (metabolism of cobalamin associated A; plus strand). Cytogenetic location: 4q31.21.
Variant type: single nucleotide variant.
Coding change: c.970-2A>C on transcript NM_172250.3 (MANE Select); the canonical splice acceptor site of the intron before coding-DNA position 970, A replaced by C.
Molecular consequence: splice acceptor variant.
Genome position (GRCh38, 1-based): chr4:145,655,145, A>C. VCF-style: chr4-145655145-A-C. GRCh37 (hg19) VCF-style: chr4-146576297-A-C.
Other names: c.970-2A>C (NM_001375644.1).
Identifiers: ClinVar variation 4816959 (VCV004816959.1).
Genomic context (GRCh38, chr4:145,655,145, plus strand): 5'-TCCCTGTAAAAATTTTTTCTATCATTTTAAGTAAAATGGTCTGGTTCTTCCCTTTTCGAT[A>C]GGTAATTCGTATTTCTGCCCGAAGTGGAGAGGGGATCTCTGAAATGTGGGATAAAATGAA-3'

ClinVar aggregate classification (germline): Likely pathogenic (1 of 4 stars; one submission).

Conditions:
Methylmalonic aciduria, cblA type (MACA). Also called: Methylmalonic aciduria, vitamin b12-responsive, due to defect in synthesis of adenosylcobalamin, cbla complementation type; MMA cbl A type; Methylmalonic acidemia cblA type; Vitamin B12-responsive methylmalonic acidemia type cblA; Methylmalonic aciduria, vitamin B12-responsive. Identifiers: Orphanet 28, Orphanet 79310, MedGen C1855109, MONDO:0009613, OMIM 251100.

gnomAD v4.1: 1 of 1,613,984 alleles (0.000062%); highest among the groups gnomAD compares: Non-Finnish European, 0.000085%; no homozygotes.

Submission:

Natera, Inc.
Classification: Likely pathogenic for Methylmalonic aciduria cblA type. Last evaluated: 2025-12-13. Review status: criteria provided, single submitter. Criteria: Natera Variant Classification Schema (03/2026). Collection method: clinical testing. Allele origin: germline.
Comment: The c.970-2A>C variant in MMAA is a canonical splice acceptor site variant predicted to affect pre-mRNA splicing, which may result in an abnormal transcript and altered protein product. This variant may result in a truncated or dysfunctional protein product. This variant is rare in the general population with a frequency below the threshold expected for the associated phenotype(s). This variant has been observed in one or more individuals affected with the associated recessive disease, as either homozygous or compound heterozygous with a second variant (PMID: 28468868). Another variant at this same site results in an alteration predicted to cause a similar molecular effect has been observed in individual(s) with the associated phenotype. Given the available evidence, this variant is classified as Likely Pathogenic.

Literature cited by the submitters: PubMed 28468868.